The following is an entry in ClinVar:

NM_015107.3(PHF8):c.1313G>A (p.Arg438His)

Gene: PHF8 (PHD finger protein 8; minus strand). Cytogenetic location: Xp11.22.
Variant type: single nucleotide variant.
Coding change: c.1313G>A on transcript NM_015107.3 (MANE Select); coding-DNA position 1313, G replaced by A.
Protein change: p.Arg438His; replaces arginine 438 with histidine.
Molecular consequence: missense variant.
Genome position (GRCh38, 1-based): chrX:53,995,703, C>T on the plus strand (G>A on the coding strand, the complement: PHF8 is on the minus strand). VCF-style: chrX-53995703-C-T. GRCh37 (hg19) VCF-style: chrX-54022136-C-T.
Other names: c.1421G>A, p.Arg474His (NM_001184896.1); c.1313G>A, p.Arg438His (NM_001184897.2, NM_001184898.2); short protein forms R438H, R474H.
Identifiers: ClinVar variation 1693395 (VCV001693395.3), dbSNP rs781871345, ClinGen allele CA10423505.
Genomic context (GRCh38, chrX:53,995,703, plus strand): 5'-GCCTCAAGGCCTTTCCAAATGCCTTTTCTTCCCTGCCCCATGCTCCTTACTTCCACCAGG[C>T]GGATCTCCCTGGCCAGATCTTTAATGAGCTGTACGGTTCGCACTGTCTCCGGGATCTCAT-3'
Protein context (NP_055922.1, residues 428-448): QLIKDLAREI[Arg438His]LVEDIFQQNV

ClinVar aggregate classification (germline): Uncertain significance. Review status: criteria provided, multiple submitters, no conflicts (2 of 4 stars). 2 submissions from 2 submitters: Uncertain significance (2). Last evaluated 2025-02-19.

Conditions:
Inborn genetic diseases. Identifiers: MedGen C0950123, MeSH D030342.

Allele frequency attached by ClinVar (database versions not stated): gnomAD exomes below 0.00001; ExAC 0.00001; TOPMed 0.00002.
gnomAD v4.1: 2 of 1,184,620 alleles (0.00017%); highest among the groups gnomAD compares: Non-Finnish European, 0.00011%; no homozygotes.

Submissions (2):

Ambry Genetics
Classification: Uncertain significance for Inborn genetic diseases. Last evaluated: 2025-02-19. Review status: criteria provided, single submitter. Criteria: Ambry Variant Classification Scheme 2023. Collection method: clinical testing. Allele origin: germline.

GeneDx
Classification: Uncertain significance. Last evaluated: 2022-01-04. Review status: criteria provided, single submitter. Criteria: GeneDx Variant Classification Process June 2021. Collection method: clinical testing. Allele origin: germline. Affected: yes.
Comment: In silico analysis supports that this missense variant has a deleterious effect on protein structure/function; Has not been previously published as pathogenic or benign to our knowledge